The following is an entry in ClinVar:

NM_000229.2(LCAT):c.139C>T (p.Arg47Trp)

Genes: LCAT (lecithin-cholesterol acyltransferase; minus strand), SLC12A4 (solute carrier family 12 member 4; minus strand). Cytogenetic location: 16q22.1.
Variant type: single nucleotide variant.
Coding change: c.139C>T on transcript NM_000229.2 (MANE Select); coding-DNA position 139, C replaced by T.
Protein change: p.Arg47Trp; replaces arginine 47 with tryptophan.
Molecular consequence: missense variant. On other transcripts: 3 prime UTR variant (5).
Genome position (GRCh38, 1-based): chr16:67,943,963, G>A on the plus strand (C>T on the coding strand, the complement: LCAT is on the minus strand). VCF-style: chr16-67943963-G-A. GRCh37 (hg19) VCF-style: chr16-67977866-G-A.
Other names: c.*877C>T (NM_001145961.2, NM_001145962.1, NM_001145963.2 and 2 more transcripts); short protein forms R47W.
Identifiers: ClinVar variation 4614476 (VCV004614476.2).
Genomic context (GRCh38, chr16:67,943,963, plus strand): 5'-CCCCAGGGTCTGGCGTGGTGCATCAGGGGCCTGGTGGGGGCTTACCGAGGATGACGGGCC[G>A]TGTGTGGTTACTGAGCTCAGCCTTGGGCGTGGTGTGCGGGGGGAAGAGCACATTGAGGAG-3'
Protein context (NP_000220.1, residues 37-57): TPKAELSNHT[Arg47Trp]PVILVPGCLG

ClinVar aggregate classification (germline): Conflicting classifications of pathogenicity. Review status: criteria provided, conflicting classifications (1 of 4 stars). 2 submissions from 2 submitters: Likely pathogenic (1); Uncertain significance (1). Last evaluated 2025-10-11.

Conditions:
Cardiovascular phenotype. Identifiers: MedGen CN230736.
Norum disease. Also called: Familial lecithin cholesterol acyltransferase deficiency. Identifiers: Orphanet 79293, MedGen C0023195, MONDO:0009515, OMIM 245900.
Fish-eye disease (FED). Also called: ALPHA-LCAT DEFICIENCY; DYSLIPOPROTEINEMIC CORNEAL DYSTROPHY; LCATA DEFICIENCY. Identifiers: Orphanet 650, Orphanet 79292, MedGen C0342895, MONDO:0007620, OMIM 136120.

gnomAD v4.1: 16 of 1,547,522 alleles (0.001%); highest among the groups gnomAD compares: South Asian, 0.0024%; no homozygotes.

Submissions (2):

Ambry Genetics
Classification: Uncertain significance for Cardiovascular phenotype. Last evaluated: 2025-10-11. Review status: criteria provided, single submitter. Criteria: Ambry Variant Classification Scheme 2023. Collection method: clinical testing. Allele origin: germline.
Comment: The p.R47W variant (also known as c.139C>T), located in coding exon 1 of the LCAT gene, results from a C to T substitution at nucleotide position 139. The arginine at codon 47 is replaced by tryptophan, an amino acid with dissimilar properties. This amino acid position is conserved. In addition, the in silico prediction for this alteration is inconclusive. Based on the available evidence, the clinical significance of this variant remains unclear.

Laboratorio de Genética, Hospital Universitario Reina Sofía
Classification: Likely pathogenic for Norum disease; Fish-eye disease. Review status: criteria provided, single submitter. Criteria: ACMG Guidelines, 2015. Collection method: clinical testing. Allele origin: germline. Affected: yes and no.
Comment: The c.139C>T p.(Arg47Trp) variant detected in the LCAT gene is a missense mutation that predicts the substitution of an arginine amino acid for tryptophan at position 47 of the protein. It is described in the HGMD clinical database (CM2022131 (DM?)) as a possible variant causing disease associated with LCAT deficiency. It is also annotated in the dbSNP database (rs1172331185) and in the gnomAD population frequency database (0.0013%). The CADD bioinformatics predictor estimates that the mutation would have a pathogenic effect (24, 60). This variant has been described in a cohort study and classified as a VSI variant, having been identified in at least one affected patient (PMID: 32041611).